The following is an entry in ClinVar:

ClinVar aggregate classification (germline): Uncertain significance. Review status: criteria provided, multiple submitters, no conflicts (2 of 4 stars). 4 submissions from 4 submitters: Uncertain significance (4). Last evaluated 2025-10-24.

Conditions:
Cardiovascular phenotype. Identifiers: MedGen CN230736.
Cardiomyopathy (CMYO). Also called: Cardiomyopathies. Identifiers: Orphanet 167848, MedGen C0878544, MONDO:0004994, HP:0001638. Inheritance: Various modes of inheritance.
Hypertrophic cardiomyopathy. Also called: HYPERTROPHIC MYOCARDIOPATHY. Identifiers: Orphanet 217569, MedGen C0007194, MeSH D002312, MONDO:0005045, HP:0001639.

Allele frequency attached by ClinVar (database versions not stated): gnomAD exomes below 0.00001 and 0.00001; TOPMed below 0.00001; ExAC 0.00001.
gnomAD v4.1: 13 of 1,614,260 alleles (0.00081%); highest among the groups gnomAD compares: East Asian, 0.0045%; no homozygotes.

Submissions (4):

Labcorp Genetics (formerly Invitae), Labcorp
Classification: Uncertain significance for Hypertrophic cardiomyopathy. Last evaluated: 2025-10-24. Review status: criteria provided, single submitter. Criteria: Invitae Variant Classification Sherloc (09022015). Collection method: clinical testing. Allele origin: germline.
Comment: This sequence change replaces arginine, which is basic and polar, with glutamine, which is neutral and polar, at codon 1530 of the MYH7 protein (p.Arg1530Gln). This variant is present in population databases (rs730880803, gnomAD 0.0009%). This missense change has been observed in individual(s) with dilated cardiomyopathy (PMID: 33996946). ClinVar contains an entry for this variant (Variation ID: 181259). Invitae Evidence Modeling of protein sequence and biophysical properties (such as structural, functional, and spatial information, amino acid conservation, physicochemical variation, residue mobility, and thermodynamic stability) indicates that this missense variant is expected to disrupt MYH7 protein function with a positive predictive value of 95%. In summary, the available evidence is currently insufficient to determine the role of this variant in disease. Therefore, it has been classified as a Variant of Uncertain Significance.

Color Diagnostics, LLC DBA Color Health
Classification: Uncertain significance for Cardiomyopathy. Last evaluated: 2025-09-05. Review status: criteria provided, single submitter. Criteria: ACMG Guidelines, 2015. Collection method: clinical testing. Allele origin: germline.
Comment: This missense variant replaces arginine with glutamine at codon 1530 of the MYH7 protein. Computational prediction is inconclusive regarding the impact of this variant on protein structure and function. To our knowledge, functional studies have not been reported for this variant. This variant has been reported in an individual affected with sudden cardiac death (PMID: 33954932). This variant has been identified in 1/251416 chromosomes in the general population by the Genome Aggregation Database (gnomAD). The available evidence is insufficient to determine the role of this variant in disease conclusively. Therefore, this variant is classified as a Variant of Uncertain Significance.

Ambry Genetics
Classification: Uncertain significance for Cardiovascular phenotype. Last evaluated: 2022-10-05. Review status: criteria provided, single submitter. Criteria: Ambry Variant Classification Scheme 2023. Collection method: clinical testing. Allele origin: germline.
Comment: The p.R1530Q variant (also known as c.4589G>A), located in coding exon 31 of the MYH7 gene, results from a G to A substitution at nucleotide position 4589. The arginine at codon 1530 is replaced by glutamine, an amino acid with highly similar properties. This amino acid position is well conserved in available vertebrate species. In addition, the in silico prediction for this alteration is inconclusive. Since supporting evidence is limited at this time, the clinical significance of this alteration remains unclear.

GeneDx
Classification: Uncertain significance. Last evaluated: 2017-06-29. Review status: criteria provided, single submitter. Criteria: GeneDx Variant Classification (06012015). Collection method: clinical testing. Allele origin: germline. Affected: yes.
Comment: p.Arg1530Gln (CGA>CAA): c.4589 G>A in exon 33 of the MYH7 gene (NM_000257.2). A variant of unknown significance has been identified in the MYH7 gene. The R1530Q variant has not been published as a mutation or as a benign polymorphism to our knowledge. The R1530Q variant was not observed in approximately 6,500 individuals of European and African American ancestry in the NHLBI Exome Sequencing Project, indicating it is not a common benign variant in these population. The R1530Q variant is a semi-conservative amino acid substitution, which may impact secondary protein structure as these residues differ in some properties. This substitution occurs at a position that is conserved across species. Additionally, in silico analysis predicts this variant is probably damaging to the protein structure/function. Furthermore, missense mutations in nearby residues (H1524R, E1536K) have been reported in association with cardiomyopathy, supporting the functional importance of this region of the protein. Therefore, based on the currently available information, it is unclear whether this variant is a pathogenic mutation or a rare benign variant. The variant is found in HCM panel(s).

Literature cited by the submitters: PubMed 33996946 (cited by Labcorp Genetics (formerly Invitae), Labcorp); PubMed 33954932 (cited by Color Diagnostics, LLC DBA Color Health).

NM_000257.4(MYH7):c.4589G>A (p.Arg1530Gln)

Genes: MHRT (myosin heavy chain associated RNA transcript; plus strand), MYH7 (myosin heavy chain 7; minus strand). Cytogenetic location: 14q11.2.
Variant type: single nucleotide variant.
Coding change: c.4589G>A on transcript NM_000257.4 (MANE Select); coding-DNA position 4589, G replaced by A.
Protein change: p.Arg1530Gln; replaces arginine 1530 with glutamine.
Molecular consequence: missense variant. On other transcripts: non-coding transcript variant (1).
Genome position (GRCh38, 1-based): chr14:23,416,923, C>T on the plus strand (G>A on the coding strand, the complement: MYH7 is on the minus strand). VCF-style: chr14-23416923-C-T. GRCh37 (hg19) VCF-style: chr14-23886132-C-T.
Other names: p.R1530Q:CGA>CAA; c.4589G>A (LRG_384t1); short protein forms R1530Q.
Identifiers: ClinVar variation 181259 (VCV000181259.13), dbSNP rs730880803, ClinGen allele CA015142.
Genomic context (GRCh38, chr14:23,416,923, plus strand): 5'-CACACCTCGGCCTCCTCCAGGGCTGACTGCAGCTCCATCTTCTCGGCCTCCAGCTGCTTT[C>T]GGACCTTCTCCAGCTCATGGATAGTCTTTCCGCTGGAACCCAACTGCTCAGTCAAGTCGG-3'
Protein context (NP_000248.2, residues 1520-1540): GKTIHELEKV[Arg1530Gln]KQLEAEKMEL